The following is an entry in ClinVar:

ClinVar aggregate classification (germline): Pathogenic. Review status: criteria provided, single submitter (1 of 4 stars). 2 submissions from 2 submitters: Pathogenic (1). 1 of the submissions does not count toward it. Last evaluated 2023-08-27.

Conditions:
Ataxia-telangiectasia syndrome (AT). Also called: Ataxia telangiectasia (A-T); LOUIS-BAR SYNDROME; Cerebello-oculocutaneous telangiectasia; Immunodeficiency with ataxia telangiectasia; Ataxia-telangiectasia, complementation group D; AT, COMPLEMENTATION GROUP C. Identifiers: Orphanet 100, MedGen C0004135, MONDO:0008840, OMIM 208900.
Familial cancer of breast. Also called: Hereditary breast cancer; hereditary breast carcinoma; BREAST CANCER, FAMILIAL. Identifiers: Orphanet 227535, MedGen C0346153, MONDO:0016419, OMIM 114480. Disease mechanism: loss of function.

Submissions (2):

Labcorp Genetics (formerly Invitae), Labcorp
Classification: Pathogenic for Ataxia-telangiectasia syndrome. Last evaluated: 2023-08-27. Review status: criteria provided, single submitter. Criteria: Invitae Variant Classification Sherloc (09022015). Collection method: clinical testing. Allele origin: germline.
Comment: This sequence change creates a premature translational stop signal (p.Pro2907Leufs*31) in the ATM gene. It is expected to result in an absent or disrupted protein product. Loss-of-function variants in ATM are known to be pathogenic (PMID: 23807571, 25614872). For these reasons, this variant has been classified as Pathogenic. ClinVar contains an entry for this variant (Variation ID: 1713236). This variant has not been reported in the literature in individuals affected with ATM-related conditions. This variant is not present in population databases (gnomAD no frequency).

BRCAlab, Lund University
Classification: Pathogenic for Familial cancer of breast. Last evaluated: 2022-08-26. Review status: no assertion criteria provided. Collection method: clinical testing. Allele origin: germline. Affected: yes. Not counted in ClinVar's aggregate classification.

Literature cited by the submitters: PubMed 23807571 (cited by Labcorp Genetics (formerly Invitae), Labcorp); PubMed 25614872 (cited by Labcorp Genetics (formerly Invitae), Labcorp).

NM_000051.4(ATM):c.8720del (p.Pro2907fs)

Genes: ATM (ATM serine/threonine kinase; plus strand), C11orf65 (chromosome 11 open reading frame 65; minus strand). Cytogenetic location: 11q22.3.
Variant type: Deletion.
Coding change: c.8720del on transcript NM_000051.4 (MANE Select); coding-DNA position 8720, one base deleted (C; older notation c.8720delC).
Protein change: p.Pro2907fs; shifts the reading frame from proline 2907.
Molecular consequence: frameshift variant. On other transcripts: intron variant (2).
Genome position (GRCh38, 1-based): chr11:108,353,814, C deleted; the last of 2 consecutive C bases (chr11:108,353,813-108,353,814); deleting either gives the same sequence. VCF-style (leftmost placement, unchanged base first): chr11-108353812-TC-T. GRCh37 (hg19) VCF-style: chr11-108224539-TC-T.
Other names: c.8720del, p.Pro2907fs (NM_001351834.2); c.640+32107del (NM_001330368.2); c.695-18521del (NM_001351110.2); short protein forms P2907fs.
Identifiers: ClinVar variation 1713236 (VCV001713236.4), dbSNP rs2547516340, ClinGen allele CA2580083029.